The following is an entry in ClinVar:

ClinVar aggregate classification (germline): Benign/Likely benign. Review status: criteria provided, multiple submitters, no conflicts (2 of 4 stars). 10 submissions from 10 submitters: Benign (4); Likely benign (3). 3 of the submissions do not count toward it. Last evaluated 2026-09-01.

Conditions:
Inborn genetic diseases. Identifiers: MedGen C0950123, MeSH D030342.
Early-infantile DEE. Also called: Early infantile epileptic encephalopathy; Early infantile epileptic encephalopathy with suppression bursts; Ohtahara syndrome. Identifiers: Orphanet 1934, MedGen C0393706, MONDO:0800491.
KCNQ2-Related Disorders. Also called: KCNQ2-related disorder; KCNQ2-related condition. Identifiers: MedGen CN169299.

Allele frequency attached by ClinVar (database versions not stated): 1000 Genomes Project 0.00020; gnomAD 0.00092 and 0.00096; gnomAD exomes 0.00106 and 0.00164; ESP Exome Variant Server 0.00131; 1000 Genomes Project 30x 0.00031; TOPMed 0.00112; ExAC 0.00127.
gnomAD v4.1: 1,759 of 1,605,360 alleles (0.11%); highest among the groups gnomAD compares: Non-Finnish European, 0.066%; 11 homozygotes.

Submissions (10):

CeGaT Center for Human Genetics Tuebingen
Classification: Likely benign. Last evaluated: 2026-09-01. Review status: criteria provided, single submitter. Criteria: CeGaT Center For Human Genetics Tuebingen Variant Classification Criteria Version 2. Collection method: clinical testing. Allele origin: germline. Affected: yes. Observed: 8 variant alleles.
Comment: KCNQ2: BS1

Labcorp Genetics (formerly Invitae), Labcorp
Classification: Likely benign for Early-infantile DEE. Last evaluated: 2026-01-31. Review status: criteria provided, single submitter. Criteria: Invitae Variant Classification Sherloc (09022015). Collection method: clinical testing. Allele origin: germline.

Mayo Clinic Laboratories, Mayo Clinic
Classification: Benign. Last evaluated: 2023-05-15. Review status: criteria provided, single submitter. Criteria: ACMG Guidelines, 2015. Collection method: clinical testing. Allele origin: germline. Observed: 2 variant alleles.
Comment: BS1, BS2

Genetic Services Laboratory, University of Chicago
Classification: Benign. Last evaluated: 2021-10-11. Review status: criteria provided, single submitter. Criteria: ACMG Guidelines, 2015. Collection method: clinical testing. Allele origin: germline. Affected: no.

GeneDx
Classification: Benign. Last evaluated: 2019-06-17. Review status: criteria provided, single submitter. Criteria: GeneDx Variant Classification Process June 2021. Collection method: clinical testing. Allele origin: germline. Affected: yes.

Ambry Genetics
Classification: Benign for Inborn genetic diseases. Last evaluated: 2017-09-29. Review status: criteria provided, single submitter. Criteria: Ambry Variant Classification Scheme 2023. Collection method: clinical testing. Allele origin: germline.

Eurofins Ntd Llc (ga)
Classification: Likely benign. Last evaluated: 2016-12-13. Review status: criteria provided, single submitter. Criteria: EGL Classification Definitions 2015. Collection method: clinical testing. Allele origin: germline. Observed: 5 variant alleles, 5 heterozygotes.

PreventionGenetics, part of Exact Sciences
Classification: Benign for KCNQ2-related condition. Last evaluated: 2019-09-10. Review status: no assertion criteria provided. Collection method: clinical testing. Allele origin: germline. Not counted in ClinVar's aggregate classification.
Comment: This variant is classified as benign based on ACMG/AMP sequence variant interpretation guidelines (Richards et al. 2015 PMID: 25741868, with internal and published modifications).

Clinical Genetics DNA and cytogenetics Diagnostics Lab, Erasmus MC, Erasmus Medical Center
Classification: Likely benign. Review status: no assertion criteria provided. Collection method: clinical testing. Allele origin: germline. Affected: yes. Study: VKGL Data-share Consensus. Not counted in ClinVar's aggregate classification.

Genome Diagnostics Laboratory, University Medical Center Utrecht
Classification: Likely benign. Review status: no assertion criteria provided. Collection method: clinical testing. Allele origin: germline. Affected: yes. Study: VKGL Data-share Consensus. Not counted in ClinVar's aggregate classification.

Literature cited by the submitters: PubMed 29261713 (cited by Mayo Clinic Laboratories, Mayo Clinic).

NM_172107.4(KCNQ2):c.1348G>A (p.Val450Met)

Gene: KCNQ2 (potassium voltage-gated channel subfamily Q member 2; minus strand). Cytogenetic location: 20q13.33.
Variant type: single nucleotide variant.
Coding change: c.1348G>A on transcript NM_172107.4 (MANE Select); coding-DNA position 1348, G replaced by A.
Protein change: p.Val450Met; replaces valine 450 with methionine.
Molecular consequence: missense variant.
Genome position (GRCh38, 1-based): chr20:63,415,080, C>T on the plus strand (G>A on the coding strand, the complement: KCNQ2 is on the minus strand). VCF-style: chr20-63415080-C-T. GRCh37 (hg19) VCF-style: chr20-62046433-C-T.
Other names: p.V450M:GTG>ATG; p.Val450Met; c.1264G>A, p.Val422Met (NM_004518.6, NM_001439004.1); c.1294G>A, p.Val432Met (NM_172106.3, NM_001382235.1, NM_001439003.1); c.1258G>A, p.Val420Met (NM_172108.5); short protein forms V450M, V420M, V422M, V432M.
Identifiers: ClinVar variation 129332 (VCV000129332.50), dbSNP rs146492238, ClinGen allele CA288922.